The following is an entry in ClinVar:

NM_178862.3(STT3B):c.2142T>C (p.Asn714=)

Gene: STT3B (STT3 oligosaccharyltransferase complex catalytic subunit B; plus strand). Cytogenetic location: 3p23.
Variant type: single nucleotide variant.
Coding change: c.2142T>C on transcript NM_178862.3 (MANE Select); coding-DNA position 2142, T replaced by C.
Protein change: p.Asn714=; no amino-acid change (asparagine 714 retained).
Molecular consequence: synonymous variant.
Genome position (GRCh38, 1-based): chr3:31,629,366, T>C. VCF-style: chr3-31629366-T-C. GRCh37 (hg19) VCF-style: chr3-31670858-T-C.
Identifiers: ClinVar variation 513254 (VCV000513254.1), dbSNP rs1553608923, ClinGen allele CA432926175.
Genomic context (GRCh38, chr3:31,629,366, plus strand): 5'-CTATTTTACCCCACAGGGAGAATTCCGTGTAGACAAAGCAGGATCCCCTACTTTGTTGAA[T>C]TGCCTTATGTATAAAATGTCATACTACAGATTTGGAGAAATGCAGGTTAGTTAAATCCAT-3'
Protein context (NP_849193.1, residues 704-724): VDKAGSPTLL[Asn714=]CLMYKMSYYR

ClinVar aggregate classification (germline): Likely benign (1 of 4 stars; one submission).

Allele frequency attached by ClinVar (database versions not stated): gnomAD exomes below 0.00001.
gnomAD v4.1: 2 of 1,610,250 alleles (0.00012%); highest among the groups gnomAD compares: Non-Finnish European, 0.00017%; no homozygotes.

Submission:

GeneDx
Classification: Likely benign. Last evaluated: 2017-11-20. Review status: criteria provided, single submitter. Criteria: GeneDx Variant Classification (06012015). Collection method: clinical testing. Allele origin: germline. Affected: yes.
Comment: This variant is considered likely benign or benign based on one or more of the following criteria: it is a conservative change, it occurs at a poorly conserved position in the protein, it is predicted to be benign by multiple in silico algorithms, and/or has population frequency not consistent with disease.